The following is an entry in ClinVar:

ClinVar aggregate classification (germline): Uncertain significance. Review status: criteria provided, multiple submitters, no conflicts (2 of 4 stars). 2 submissions from 2 submitters: Uncertain significance (2). Last evaluated 2025-05-12.

Conditions:
Neuroblastoma, susceptibility to, 3. Also called: ALK-Related Neuroblastic Tumor Susceptibility. Identifiers: Orphanet 635, MedGen C2751681, MONDO:0013083, OMIM 613014.
Hereditary cancer-predisposing syndrome. Also called: Neoplastic Syndromes, Hereditary; Tumor predisposition; Hereditary neoplastic syndrome; Hereditary Cancer Syndrome. Identifiers: Orphanet 140162, MedGen C0027672, MeSH D009386, MONDO:0015356.

Submissions (2):

Labcorp Genetics (formerly Invitae), Labcorp
Classification: Uncertain significance for Neuroblastoma, susceptibility to, 3. Last evaluated: 2025-05-12. Review status: criteria provided, single submitter. Criteria: Invitae Variant Classification Sherloc (09022015). Collection method: clinical testing. Allele origin: germline.
Comment: This sequence change replaces asparagine, which is neutral and polar, with serine, which is neutral and polar, at codon 1140 of the ALK protein (p.Asn1140Ser). This variant is not present in population databases (gnomAD no frequency). This variant has not been reported in the literature in individuals affected with ALK-related conditions. ClinVar contains an entry for this variant (Variation ID: 1488707). An algorithm developed to predict the effect of missense changes on protein structure and function outputs the following: PolyPhen-2: "Benign". The serine amino acid residue is found in multiple mammalian species, which suggests that this missense change does not adversely affect protein function. In summary, the available evidence is currently insufficient to determine the role of this variant in disease. Therefore, it has been classified as a Variant of Uncertain Significance.

Ambry Genetics
Classification: Uncertain significance for Hereditary cancer-predisposing syndrome. Last evaluated: 2025-01-28. Review status: criteria provided, single submitter. Criteria: Ambry Variant Classification Scheme 2023. Collection method: clinical testing. Allele origin: germline.
Comment: The p.N1140S variant (also known as c.3419A>G), located in coding exon 21 of the ALK gene, results from an A to G substitution at nucleotide position 3419. The asparagine at codon 1140 is replaced by serine, an amino acid with highly similar properties. This amino acid position is conserved. In addition, this alteration is predicted to be tolerated by in silico analysis. Based on the available evidence, the clinical significance of this variant remains unclear.

NM_004304.5(ALK):c.3419A>G (p.Asn1140Ser)

Gene: ALK (ALK receptor tyrosine kinase; minus strand). Cytogenetic location: 2p23.2.
Variant type: single nucleotide variant.
Coding change: c.3419A>G on transcript NM_004304.5 (MANE Select); coding-DNA position 3419, A replaced by G.
Protein change: p.Asn1140Ser; replaces asparagine 1140 with serine.
Molecular consequence: missense variant.
Genome position (GRCh38, 1-based): chr2:29,222,548, T>C on the plus strand (A>G on the coding strand, the complement: ALK is on the minus strand). VCF-style: chr2-29222548-T-C. GRCh37 (hg19) VCF-style: chr2-29445414-T-C.
Other names: c.215A>G, p.Asn72Ser (NM_001353765.2); c.3419A>G (NM_004304.4); short protein forms N1140S, N72S.
Identifiers: ClinVar variation 1488707 (VCV001488707.9), dbSNP rs2148169203, ClinGen allele CA346463807.